The following is an entry in ClinVar:

NM_002546.4(TNFRSF11B):c.775C>T (p.His259Tyr)

Gene: TNFRSF11B (TNF receptor superfamily member 11b; minus strand). Cytogenetic location: 8q24.12.
Variant type: single nucleotide variant.
Coding change: c.775C>T on transcript NM_002546.4 (MANE Select); coding-DNA position 775, C replaced by T.
Protein change: p.His259Tyr; replaces histidine 259 with tyrosine.
Molecular consequence: missense variant.
Genome position (GRCh38, 1-based): chr8:118,926,536, G>A on the plus strand (C>T on the coding strand, the complement: TNFRSF11B is on the minus strand). VCF-style: chr8-118926536-G-A. GRCh37 (hg19) VCF-style: chr8-119938775-G-A.
Other names: short protein forms H259Y.
Identifiers: ClinVar variation 4744145 (VCV004744145.1).

ClinVar aggregate classification (germline): Uncertain significance (1 of 4 stars; one submission).

Submission:

Labcorp Genetics (formerly Invitae), Labcorp
Classification: Uncertain significance. Last evaluated: 2026-01-07. Review status: criteria provided, single submitter. Criteria: Invitae Variant Classification Sherloc (09022015). Collection method: clinical testing. Allele origin: germline.
Comment: This sequence change replaces histidine, which is basic and polar, with tyrosine, which is neutral and polar, at codon 259 of the TNFRSF11B protein (p.His259Tyr). This variant is present in population databases (rs770777429, gnomAD 0.007%). This variant has not been reported in the literature in individuals affected with TNFRSF11B-related conditions. Invitae Evidence Modeling of protein sequence and biophysical properties (such as structural, functional, and spatial information, amino acid conservation, physicochemical variation, residue mobility, and thermodynamic stability) indicates that this missense variant is not expected to disrupt TNFRSF11B protein function with a negative predictive value of 80%. In summary, the available evidence is currently insufficient to determine the role of this variant in disease. Therefore, it has been classified as a Variant of Uncertain Significance.